The following is an entry in ClinVar:

NM_000179.3(MSH6):c.2045C>T (p.Ser682Phe)

Gene: MSH6 (mutS homolog 6; plus strand). Cytogenetic location: 2p16.3.
Variant type: single nucleotide variant.
Coding change: c.2045C>T on transcript NM_000179.3 (MANE Select); coding-DNA position 2045, C replaced by T.
Protein change: p.Ser682Phe; replaces serine 682 with phenylalanine.
Molecular consequence: missense variant.
Genome position (GRCh38, 1-based): chr2:47,800,028, C>T. VCF-style: chr2-47800028-C-T. GRCh37 (hg19) VCF-style: chr2-48027167-C-T.
Other names: c.1655C>T, p.Ser552Phe (NM_001281492.2); c.1139C>T, p.Ser380Phe (NM_001281493.2, NM_001281494.2); short protein forms S682F, S380F, S552F.
Identifiers: ClinVar variation 89241 (VCV000089241.14), dbSNP rs587779225, ClinGen allele CA009604.

ClinVar aggregate classification (germline): Uncertain significance. Review status: criteria provided, multiple submitters, no conflicts (2 of 4 stars). 5 submissions from 5 submitters: Uncertain significance (3). 2 of the submissions do not count toward it. Last evaluated 2025-08-13.

Conditions:
Hereditary cancer-predisposing syndrome. Also called: Tumor predisposition; Hereditary Cancer Syndrome; Hereditary neoplastic syndrome; Neoplastic Syndromes, Hereditary. Identifiers: Orphanet 140162, MedGen C0027672, MeSH D009386, MONDO:0015356.
Hereditary nonpolyposis colorectal neoplasms. Identifiers: MedGen C0009405, MeSH D003123.

Submissions (5):

Labcorp Genetics (formerly Invitae), Labcorp
Classification: Uncertain significance for Hereditary nonpolyposis colorectal neoplasms. Last evaluated: 2025-08-13. Review status: criteria provided, single submitter. Criteria: Invitae Variant Classification Sherloc (09022015). Collection method: clinical testing. Allele origin: germline.
Comment: This sequence change replaces serine, which is neutral and polar, with phenylalanine, which is neutral and non-polar, at codon 682 of the MSH6 protein (p.Ser682Phe). This variant is not present in population databases (gnomAD no frequency). This missense change has been observed in individual(s) with hereditary breast and colorectal cancer (PMID: 19924528). ClinVar contains an entry for this variant (Variation ID: 89241). An algorithm developed specifically for the MSH6 gene suggests that this missense change is likely to be deleterious (PMID: 23621914). In summary, the available evidence is currently insufficient to determine the role of this variant in disease. Therefore, it has been classified as a Variant of Uncertain Significance.

Center for Genomic Medicine, Rigshospitalet, Copenhagen University Hospital
Classification: Uncertain significance. Last evaluated: 2025-03-04. Review status: criteria provided, single submitter. Criteria: ACMG Guidelines, 2015. Collection method: clinical testing. Allele origin: germline.

Ambry Genetics
Classification: Uncertain significance for Hereditary cancer-predisposing syndrome. Last evaluated: 2023-11-16. Review status: criteria provided, single submitter. Criteria: Ambry Variant Classification Scheme 2023. Collection method: clinical testing. Allele origin: germline.
Comment: The p.S682F variant (also known as c.2045C>T), located in coding exon 4 of the MSH6 gene, results from a C to T substitution at nucleotide position 2045. The serine at codon 682 is replaced by phenylalanine, an amino acid with highly dissimilar properties. This alteration has been observed in at least one individual with a personal and/or family history of breast and colorectal cancer (Wasielewski M et al. Breast Cancer Res Treat, 2010 Sep;123:315-20). This amino acid position is highly conserved in available vertebrate species. In addition, this alteration is predicted to be deleterious by in silico analysis. Since supporting evidence is limited at this time, the clinical significance of this alteration remains unclear.

Clinical Genetics DNA and cytogenetics Diagnostics Lab, Erasmus MC, Erasmus Medical Center
Classification: Uncertain significance. Review status: no assertion criteria provided. Collection method: clinical testing. Allele origin: germline. Affected: yes. Study: VKGL Data-share Consensus. Not counted in ClinVar's aggregate classification.

Diagnostic Laboratory, Department of Genetics, University Medical Center Groningen
Classification: Uncertain significance. Review status: no assertion criteria provided. Collection method: clinical testing. Allele origin: germline. Affected: yes. Study: VKGL Data-share Consensus. Not counted in ClinVar's aggregate classification.

Literature cited by the submitters: PubMed 19924528 (cited by 3 submitters); PubMed 23621914 (cited by Labcorp Genetics (formerly Invitae), Labcorp).